The following is an entry in ClinVar:

NM_001042492.3(NF1):c.8056C>T (p.Gln2686Ter)

Gene: NF1 (neurofibromin 1; plus strand). Cytogenetic location: 17q11.2.
Variant type: single nucleotide variant.
Coding change: c.8056C>T on transcript NM_001042492.3 (MANE Select); coding-DNA position 8056, C replaced by T.
Protein change: p.Gln2686Ter; replaces glutamine 2686 with a stop codon.
Molecular consequence: nonsense.
Genome position (GRCh38, 1-based): chr17:31,358,565, C>T. VCF-style: chr17-31358565-C-T. GRCh37 (hg19) VCF-style: chr17-29685583-C-T.
Other names: c.7993C>T, p.Gln2665Ter (NM_000267.4); short protein forms Q2665*, Q2686*.
Identifiers: ClinVar variation 1451896 (VCV001451896.10), dbSNP rs2151585015, ClinGen allele CA399203798.
Genomic context (GRCh38, chr17:31,358,565, plus strand): 5'-AACACCCTGTTATCATTGTGCCAAGATCCAAATTTGTTAAATCCAATCCATGGAATTGTG[C>T]AGAGTGTGGTGTACCATGAAGAATCCCCACCACAATACCAAACATCTTACCTGCAAAGTA-3'

ClinVar aggregate classification (germline): Pathogenic. Review status: criteria provided, multiple submitters, no conflicts (2 of 4 stars). 3 submissions from 3 submitters: Pathogenic (3). Last evaluated 2025-02-16.

Conditions:
Hereditary cancer-predisposing syndrome. Also called: Tumor predisposition; Hereditary neoplastic syndrome; Hereditary Cancer Syndrome; Neoplastic Syndromes, Hereditary. Identifiers: Orphanet 140162, MedGen C0027672, MeSH D009386, MONDO:0015356.
Cardiovascular phenotype. Identifiers: MedGen CN230736.
Neurofibromatosis, type 1 (NF1). Also called: NEUROFIBROMATOSIS, TYPE I, SOMATIC; VON RECKLINGHAUSEN DISEASE; Peripheral type neurofibromatosis; Neurofibromatosis, type I. Identifiers: Orphanet 636, MedGen C0027831, MONDO:0018975, OMIM 162200. Disease mechanism: loss of function.

Submissions (3):

Laboratory of Genetics, Children's Clinical University Hospital Latvia
Classification: Pathogenic. Last evaluated: 2025-02-16. Review status: criteria provided, single submitter. Criteria: ACMG Guidelines, 2015. Collection method: clinical testing. Allele origin: germline. Affected: yes.

Ambry Genetics
Classification: Pathogenic for Cardiovascular phenotype; Hereditary cancer-predisposing syndrome. Last evaluated: 2023-10-24. Review status: criteria provided, single submitter. Criteria: Ambry Variant Classification Scheme 2023. Collection method: clinical testing. Allele origin: germline.
Comment: The p.Q2665* pathogenic mutation (also known as c.7993C>T), located in coding exon 54 of the NF1 gene, results from a C to T substitution at nucleotide position 7993. This changes the amino acid from a glutamine to a stop codon within coding exon 54. This alteration has been observed in multiple individuals with a personal history that is consistent with NF1-related disease (Tritto V et al. Genes (Basel), 2019 Nov;10; Melloni G et al. Cancers (Basel), 2019 Nov;11; Ambry internal data). This alteration is expected to result in loss of function by premature protein truncation or nonsense-mediated mRNA decay. As such, this alteration is interpreted as a disease-causing mutation.

Labcorp Genetics (formerly Invitae), Labcorp
Classification: Pathogenic for Neurofibromatosis, type 1. Last evaluated: 2023-04-15. Review status: criteria provided, single submitter. Criteria: Invitae Variant Classification Sherloc (09022015). Collection method: clinical testing. Allele origin: germline.
Comment: For these reasons, this variant has been classified as Pathogenic. ClinVar contains an entry for this variant (Variation ID: 1451896). This premature translational stop signal has been observed in individual(s) with neurofibromatosis type 1 (PMID: 31766501). This variant is not present in population databases (gnomAD no frequency). This sequence change creates a premature translational stop signal (p.Gln2665*) in the NF1 gene. It is expected to result in an absent or disrupted protein product. Loss-of-function variants in NF1 are known to be pathogenic (PMID: 10712197, 23913538).

Literature cited by the submitters: PubMed 31766501 (cited by Labcorp Genetics (formerly Invitae), Labcorp); PubMed 10712197 (cited by Labcorp Genetics (formerly Invitae), Labcorp); PubMed 23913538 (cited by Labcorp Genetics (formerly Invitae), Labcorp).